The following is an entry in ClinVar:

ClinVar aggregate classification (germline): Uncertain significance. Review status: criteria provided, multiple submitters, no conflicts (2 of 4 stars). 3 submissions from 3 submitters: Uncertain significance (3). Last evaluated 2025-07-16.

Conditions:
Cardiovascular phenotype. Identifiers: MedGen CN230736.

Allele frequency attached by ClinVar (database versions not stated): TOPMed below 0.00001; gnomAD 0.00001; gnomAD exomes 0.00001.
gnomAD v4.1: 13 of 1,611,308 alleles (0.00081%); highest among the groups gnomAD compares: East Asian, 0.0022%; no homozygotes.

Submissions (3):

Mayo Clinic Laboratories, Mayo Clinic
Classification: Uncertain significance. Last evaluated: 2025-07-16. Review status: criteria provided, single submitter. Criteria: ACMG Guidelines, 2015. Collection method: clinical testing. Allele origin: germline. Observed: 1 variant allele.

Labcorp Genetics (formerly Invitae), Labcorp
Classification: Uncertain significance. Last evaluated: 2023-11-14. Review status: criteria provided, single submitter. Criteria: Invitae Variant Classification Sherloc (09022015). Collection method: clinical testing. Allele origin: germline.
Comment: This sequence change replaces leucine, which is neutral and non-polar, with proline, which is neutral and non-polar, at codon 168 of the APOA1 protein (p.Leu168Pro). This variant is present in population databases (no rsID available, gnomAD 0.006%). This variant has not been reported in the literature in individuals affected with APOA1-related conditions. Advanced modeling of protein sequence and biophysical properties (such as structural, functional, and spatial information, amino acid conservation, physicochemical variation, residue mobility, and thermodynamic stability) performed at Invitae indicates that this missense variant is expected to disrupt APOA1 protein function with a positive predictive value of 80%. In summary, the available evidence is currently insufficient to determine the role of this variant in disease. Therefore, it has been classified as a Variant of Uncertain Significance.

Ambry Genetics
Classification: Uncertain significance for Cardiovascular phenotype. Last evaluated: 2023-11-05. Review status: criteria provided, single submitter. Criteria: Ambry Variant Classification Scheme 2023. Collection method: clinical testing. Allele origin: germline.
Comment: The p.L168P variant (also known as c.503T>C), located in coding exon 3 of the APOA1 gene, results from a T to C substitution at nucleotide position 503. The leucine at codon 168 is replaced by proline, an amino acid with similar properties. This amino acid position is conserved. In addition, the in silico prediction for this alteration is inconclusive. Since supporting evidence is limited at this time, the clinical significance of this alteration remains unclear.

NM_000039.3(APOA1):c.503T>C (p.Leu168Pro)

Gene: APOA1 (apolipoprotein A1; minus strand). Cytogenetic location: 11q23.3.
Variant type: single nucleotide variant.
Coding change: c.503T>C on transcript NM_000039.3 (MANE Select); coding-DNA position 503, T replaced by C.
Protein change: p.Leu168Pro; replaces leucine 168 with proline.
Molecular consequence: missense variant.
Genome position (GRCh38, 1-based): chr11:116,836,109, A>G on the plus strand (T>C on the coding strand, the complement: APOA1 is on the minus strand). VCF-style: chr11-116836109-A-G. GRCh37 (hg19) VCF-style: chr11-116706825-A-G.
Other names: p.Leu168Pro; c.503T>C (NM_000039.2); c.503T>C, p.Leu168Pro (NM_001318017.2, NM_001318018.2, NM_001425090.1); c.176T>C, p.Leu59Pro (NM_001318021.2, NM_001425091.1, NM_001425092.1); c.458T>C, p.Leu153Pro (NM_001425093.1); short protein forms L168P, L59P, L153P.
Identifiers: ClinVar variation 2987072 (VCV002987072.5), dbSNP rs1374616841, ClinGen allele CA382715459.